The following is an entry in ClinVar:

ClinVar aggregate classification (germline): Uncertain significance. Review status: criteria provided, multiple submitters, no conflicts (2 of 4 stars). 2 submissions from 2 submitters: Uncertain significance (2). Last evaluated 2025-08-05.

Conditions:
Congenital myasthenic syndrome 8. Also called: MYASTHENIC SYNDROME, CONGENITAL, DUE TO AGRIN DEFICIENCY; Myasthenic syndrome, congenital, 8, with pre- and postsynaptic defects. Identifiers: Orphanet 590, MedGen C3808739, MONDO:0014052, OMIM 615120.
Inborn genetic diseases. Identifiers: MedGen C0950123, MeSH D030342.

Allele frequency attached by ClinVar (database versions not stated): gnomAD exomes below 0.00001.
gnomAD v4.1: 3 of 1,465,920 alleles (0.0002%); highest among the groups gnomAD compares: Admixed American, 0.0026%; no homozygotes.

Submissions (2):

Ambry Genetics
Classification: Uncertain significance for Inborn genetic diseases. Last evaluated: 2025-08-05. Review status: criteria provided, single submitter. Criteria: Ambry Variant Classification Scheme 2023. Collection method: clinical testing. Allele origin: germline.

Labcorp Genetics (formerly Invitae), Labcorp
Classification: Uncertain significance for Congenital myasthenic syndrome 8. Last evaluated: 2022-04-15. Review status: criteria provided, single submitter. Criteria: Invitae Variant Classification Sherloc (09022015). Collection method: clinical testing. Allele origin: germline.
Comment: The frequency data for this variant in the population databases is considered unreliable, as metrics indicate poor data quality at this position in the gnomAD database. This sequence change replaces alanine, which is neutral and non-polar, with valine, which is neutral and non-polar, at codon 1364 of the AGRN protein (p.Ala1364Val). This variant has not been reported in the literature in individuals affected with AGRN-related conditions. In summary, the available evidence is currently insufficient to determine the role of this variant in disease. Therefore, it has been classified as a Variant of Uncertain Significance. Algorithms developed to predict the effect of missense changes on protein structure and function output the following: SIFT: "Deleterious"; PolyPhen-2: "Benign"; Align-GVGD: "Class C0". The valine amino acid residue is found in multiple mammalian species, which suggests that this missense change does not adversely affect protein function.

NM_198576.4(AGRN):c.4091C>T (p.Ala1364Val)

Gene: AGRN (agrin; plus strand). Cytogenetic location: 1p36.33.
Variant type: single nucleotide variant.
Coding change: c.4091C>T on transcript NM_198576.4 (MANE Select); coding-DNA position 4091, C replaced by T.
Protein change: p.Ala1364Val; replaces alanine 1364 with valine.
Molecular consequence: missense variant.
Genome position (GRCh38, 1-based): chr1:1,048,351, C>T. VCF-style: chr1-1048351-C-T. GRCh37 (hg19) VCF-style: chr1-983731-C-T.
Other names: c.4091C>T (NM_198576.3); c.4091C>T, p.Ala1364Val (NM_001305275.2); c.3776C>T, p.Ala1259Val (NM_001364727.2); short protein forms A1364V, A1259V.
Identifiers: ClinVar variation 2059250 (VCV002059250.5), dbSNP rs1379551004, ClinGen allele CA337853547.